The following is an entry in ClinVar:

NM_014014.5(SNRNP200):c.699G>T (p.Glu233Asp)

Gene: SNRNP200 (small nuclear ribonucleoprotein U5 subunit 200; minus strand). Cytogenetic location: 2q11.2.
Variant type: single nucleotide variant.
Coding change: c.699G>T on transcript NM_014014.5 (MANE Select); coding-DNA position 699, G replaced by T.
Protein change: p.Glu233Asp; replaces glutamic acid 233 with aspartic acid.
Molecular consequence: missense variant.
Genome position (GRCh38, 1-based): chr2:96,299,359, C>A on the plus strand (G>T on the coding strand, the complement: SNRNP200 is on the minus strand). VCF-style: chr2-96299359-C-A. GRCh37 (hg19) VCF-style: chr2-96965097-C-A.
Other names: short protein forms E233D.
Identifiers: ClinVar variation 2102899 (VCV002102899.4), dbSNP rs1194575031, ClinGen allele CA347685893.
Genomic context (GRCh38, chr2:96,299,359, plus strand): 5'-TAGCAATGAGGAAGAGCAAACTGAACTTACATTAGCCGAGAGGGTGCAGCGCACGACAGC[C>A]TCGTCCCCTTCCATGTCATCATCAGATGCCTCTTCTCGAACCTCCCCGTATACGTCTTCA-3'
Protein context (NP_054733.2, residues 223-243): EASDDDMEGD[Glu233Asp]AVVRCTLSAN

ClinVar aggregate classification (germline): Uncertain significance (1 of 4 stars; one submission).

Submission:

Labcorp Genetics (formerly Invitae), Labcorp
Classification: Uncertain significance. Last evaluated: 2022-02-24. Review status: criteria provided, single submitter. Criteria: Invitae Variant Classification Sherloc (09022015). Collection method: clinical testing. Allele origin: germline.
Comment: This sequence change replaces glutamic acid, which is acidic and polar, with aspartic acid, which is acidic and polar, at codon 233 of the SNRNP200 protein (p.Glu233Asp). This variant is not present in population databases (gnomAD no frequency). This variant has not been reported in the literature in individuals affected with SNRNP200-related conditions. Algorithms developed to predict the effect of missense changes on protein structure and function (SIFT, PolyPhen-2, Align-GVGD) all suggest that this variant is likely to be tolerated. In summary, the available evidence is currently insufficient to determine the role of this variant in disease. Therefore, it has been classified as a Variant of Uncertain Significance.